The following is an entry in ClinVar:

ClinVar aggregate classification (germline): Likely benign. Review status: criteria provided, multiple submitters, no conflicts (2 of 4 stars). 2 submissions from 2 submitters: Likely benign (2). Last evaluated 2026-01-01.

Allele frequency attached by ClinVar (database versions not stated): gnomAD 0.00003 and 0.00004; TOPMed 0.00003; gnomAD exomes 0.00012 and 0.00016; ExAC 0.00022; 1000 Genomes Project 30x 0.00031; 1000 Genomes Project 0.00040.

Submissions (2):

CeGaT Center for Human Genetics Tuebingen
Classification: Likely benign. Last evaluated: 2026-01-01. Review status: criteria provided, single submitter. Criteria: CeGaT Center For Human Genetics Tuebingen Variant Classification Criteria Version 2. Collection method: clinical testing. Allele origin: germline. Affected: yes. Observed: 1 variant allele.
Comment: MYO18B: BP4, BP7

Labcorp Genetics (formerly Invitae), Labcorp
Classification: Likely benign. Last evaluated: 2025-10-02. Review status: criteria provided, single submitter. Criteria: Invitae Variant Classification Sherloc (09022015). Collection method: clinical testing. Allele origin: germline.

NM_032608.7(MYO18B):c.2661C>T (p.Ser887=)

Gene: MYO18B (myosin XVIIIB; plus strand). Cytogenetic location: 22q12.1.
Variant type: single nucleotide variant.
Coding change: c.2661C>T on transcript NM_032608.7 (MANE Select); coding-DNA position 2661, C replaced by T.
Protein change: p.Ser887=; no amino-acid change (serine 887 retained).
Molecular consequence: synonymous variant.
Genome position (GRCh38, 1-based): chr22:25,823,644, C>T. VCF-style: chr22-25823644-C-T. GRCh37 (hg19) VCF-style: chr22-26219611-C-T.
Other names: c.2661C>T, p.Ser887= (NM_001318245.2).
Identifiers: ClinVar variation 1643637 (VCV001643637.12), dbSNP rs535790790, ClinGen allele CA10160255.